The following is an entry in ClinVar:

NM_001909.5(CTSD):c.465dup (p.Val156fs)

Gene: CTSD (cathepsin D; minus strand). Cytogenetic location: 11p15.5.
Variant type: Duplication.
Coding change: c.465dup on transcript NM_001909.5 (MANE Select); coding-DNA position 465, one base duplicated (T; older notation c.465dupT).
Protein change: p.Val156fs; shifts the reading frame from valine 156.
Molecular consequence: frameshift variant.
Genome position (GRCh38, 1-based): chr11:1,758,975, A duplicated on the plus strand (T on the coding strand, the reverse complement: CTSD is on the minus strand). VCF-style (leftmost placement, unchanged base first): chr11-1758974-C-CA. GRCh37 (hg19) VCF-style: chr11-1780204-C-CA.
Other names: short protein forms V156fs.
Identifiers: ClinVar variation 2757064 (VCV002757064.3), dbSNP rs2493825798, ClinGen allele CA2697558892.

ClinVar aggregate classification (germline): Pathogenic (1 of 4 stars; one submission).

Conditions:
Neuronal ceroid lipofuscinosis. Also called: Neuronal Ceroid Lipofuscinoses. Identifiers: Orphanet 216, Orphanet 79263, MedGen C0027877, MONDO:0016295. Disease mechanism: loss of function.

Submission:

Labcorp Genetics (formerly Invitae), Labcorp
Classification: Pathogenic for Neuronal ceroid lipofuscinosis. Last evaluated: 2023-08-31. Review status: criteria provided, single submitter. Criteria: Invitae Variant Classification Sherloc (09022015). Collection method: clinical testing. Allele origin: germline.
Comment: This variant is not present in population databases (gnomAD no frequency). This sequence change creates a premature translational stop signal (p.Val156Cysfs*89) in the CTSD gene. It is expected to result in an absent or disrupted protein product. Loss-of-function variants in CTSD are known to be pathogenic (PMID: 16670177, 26059544). For these reasons, this variant has been classified as Pathogenic. This variant has not been reported in the literature in individuals affected with CTSD-related conditions.

Literature cited by the submitters: PubMed 16670177; PubMed 26059544.